The following is an entry in ClinVar:

NM_022437.3(ABCG8):c.1313A>G (p.His438Arg)

Gene: ABCG8 (ATP binding cassette subfamily G member 8; plus strand). Cytogenetic location: 2p21.
Variant type: single nucleotide variant.
Coding change: c.1313A>G on transcript NM_022437.3 (MANE Select); coding-DNA position 1313, A replaced by G.
Protein change: p.His438Arg; replaces histidine 438 with arginine.
Molecular consequence: missense variant.
Genome position (GRCh38, 1-based): chr2:43,873,888, A>G. VCF-style: chr2-43873888-A-G. GRCh37 (hg19) VCF-style: chr2-44101027-A-G.
Other names: c.1310A>G, p.His437Arg (NM_001357321.2); short protein forms H437R, H438R.
Identifiers: ClinVar variation 1769717 (VCV001769717.5), dbSNP rs748636100, ClinGen allele CA1637396.
Genomic context (GRCh38, chr2:43,873,888, plus strand): 5'-TCATCCATGGGGCGGAGGCCTGTCTGATGTCAATGACCATCGGCTTCCTCTATTTTGGCC[A>G]TGGGAGCATCCAGCTCTCCTTCATGGATACAGCCGCCCTCTTGTTCATGATCGGTGCTCT-3'
Protein context (NP_071882.1, residues 428-448): SMTIGFLYFG[His438Arg]GSIQLSFMDT

ClinVar aggregate classification (germline): Uncertain significance. Review status: criteria provided, multiple submitters, no conflicts (2 of 4 stars). 3 submissions from 3 submitters: Uncertain significance (3). Last evaluated 2023-07-18.

Conditions:
Sitosterolemia 1. Identifiers: MedGen C2749759, MONDO:0020747, OMIM 210250.
Cardiovascular phenotype. Identifiers: MedGen CN230736.

Allele frequency attached by ClinVar (database versions not stated): gnomAD exomes 0.00001; ExAC 0.00002.

Submissions (3):

Women's Health and Genetics/Laboratory Corporation of America, LabCorp
Classification: Uncertain significance. Last evaluated: 2023-07-18. Review status: criteria provided, single submitter. Criteria: LabCorp Variant Classification Summary - May 2015. Collection method: clinical testing. Allele origin: germline.

Revvity Omics, Revvity
Classification: Uncertain significance for Sitosterolemia 1. Last evaluated: 2023-03-10. Review status: criteria provided, single submitter. Criteria: ACMG Guidelines, 2015. Collection method: clinical testing. Allele origin: germline.

Ambry Genetics
Classification: Uncertain significance for Cardiovascular phenotype. Last evaluated: 2022-01-05. Review status: criteria provided, single submitter. Criteria: Ambry Variant Classification Scheme 2023. Collection method: clinical testing. Allele origin: germline.
Comment: The p.H438R variant (also known as c.1313A>G), located in coding exon 9 of the ABCG8 gene, results from an A to G substitution at nucleotide position 1313. The histidine at codon 438 is replaced by arginine, an amino acid with highly similar properties. This amino acid position is conserved. In addition, this alteration is predicted to be tolerated by in silico analysis. Since supporting evidence is limited at this time, the clinical significance of this alteration remains unclear.